The following is an entry in ClinVar:

NM_002609.4(PDGFRB):c.2126G>A (p.Arg709His)

Gene: PDGFRB (platelet derived growth factor receptor beta; minus strand). Cytogenetic location: 5q32.
Variant type: single nucleotide variant.
Coding change: c.2126G>A on transcript NM_002609.4 (MANE Select); coding-DNA position 2126, G replaced by A.
Protein change: p.Arg709His; replaces arginine 709 with histidine.
Molecular consequence: missense variant.
Genome position (GRCh38, 1-based): chr5:150,123,099, C>T on the plus strand (G>A on the coding strand, the complement: PDGFRB is on the minus strand). VCF-style: chr5-150123099-C-T. GRCh37 (hg19) VCF-style: chr5-149502662-C-T.
Other names: c.1934G>A, p.Arg645His (NM_001355016.2); c.1643G>A, p.Arg548His (NM_001355017.2); c.2126G>A (NM_002609.3); short protein forms R709H, R548H, R645H.
Identifiers: ClinVar variation 194497 (VCV000194497.11), dbSNP rs759436020, ClinGen allele CA240504.

ClinVar aggregate classification (germline): Conflicting classifications of pathogenicity. Review status: criteria provided, conflicting classifications (1 of 4 stars). 4 submissions from 4 submitters: Uncertain significance (3); Benign (1). Last evaluated 2026-05-26.

Conditions:
Myofibromatosis, infantile, 1. Also called: Myofibromatosis, juvenile. Identifiers: Orphanet 2591, MedGen C4551572, MONDO:0009227, OMIM 228550.
Myeloproliferative disorder, chronic, with eosinophilia. Also called: Malignant eosinophil proliferation; EOSINOPHILS, MALIGNANT PROLIFERATION OF. Identifiers: MedGen C1851585, MONDO:0007546, OMIM 131440, HP:0006782.
Acroosteolysis-keloid-like lesions-premature aging syndrome. Also called: Progeroid syndrome, Penttinen type; Premature aging syndrome, Penttinen type; Prematurely aged appearance, delayed bone maturation, acro-osteolysis, and brachydactyly. Identifiers: Orphanet 363665, MedGen C1866182, MONDO:0011150, OMIM 601812.
Skeletal overgrowth-craniofacial dysmorphism-hyperelastic skin-white matter lesions syndrome. Also called: SKELETAL OVERGROWTH WITH FACIAL DYSMORPHISM, HYPERELASTIC SKIN, WHITE MATTER LESIONS, AND NEUROLOGIC DETERIORATION; Kosaki overgrowth syndrome. Identifiers: Orphanet 477831, MedGen C4225270, MONDO:0014704, OMIM 616592.
Basal ganglia calcification, idiopathic, 4 (PFBC4). Also called: Familial Idiopathic Basal Ganglia Calcification 4; PRIMARY FAMILIAL BRAIN CALCIFICATION 4, AUTOSOMAL DOMINANT. Identifiers: Orphanet 1980, MedGen C3554321, MONDO:0014004, OMIM 615007.
Idiopathic basal ganglia calcification 1 (PFBC1A). Also called: Fahr's syndrome; Familial Idiopathic Basal Ganglia Calcification 3; Primary Familial Brain Calcification; Cerebral calcification nonarteriosclerotic idiopathic adult-onset; Striopallidodentate calcinosis autosomal dominant adult-onset; Ferrocalcinosis, cerebrovascular. Identifiers: Orphanet 1980, MedGen C4551624, MONDO:0024538, OMIM 213600.
Infantile myofibromatosis (IMF). Also called: Congenital generalized fibromatosis. Identifiers: Orphanet 2591, MedGen C0432284, MONDO:0016824.
PDGFRB-related disorder. Also called: PDGFRB-related condition.

Allele frequency attached by ClinVar (database versions not stated): gnomAD exomes 0.00008 and 0.00004; ExAC 0.00002; gnomAD 0.00005 and 0.00006; TOPMed 0.00005.
gnomAD v4.1: 120 of 1,613,794 alleles (0.0074%); highest among the groups gnomAD compares: Non-Finnish European, 0.0094%; 1 homozygote.

Submissions (4):

PreventionGenetics, part of Exact Sciences
Classification: Uncertain significance for PDGFRB-related condition. Last evaluated: 2026-05-26. Review status: criteria provided, single submitter. Criteria: ACMG Guidelines, 2015. Collection method: clinical testing. Allele origin: germline.
Comment: The PDGFRB c.2126G>A variant is predicted to result in the amino acid substitution p.Arg709His. To our knowledge, this variant has not been reported in the literature. This variant is reported in 0.0080% of alleles in individuals of African descent in gnomAD. At this time, the clinical significance of this variant is uncertain due to the absence of conclusive functional and genetic evidence.

Labcorp Genetics (formerly Invitae), Labcorp
Classification: Benign for Basal ganglia calcification, idiopathic, 4; Skeletal overgrowth-craniofacial dysmorphism-hyperelastic skin-white matter lesions syndrome; Infantile myofibromatosis; Acroosteolysis-keloid-like lesions-premature aging syndrome. Last evaluated: 2025-10-08. Review status: criteria provided, single submitter. Criteria: Invitae Variant Classification Sherloc (09022015). Collection method: clinical testing. Allele origin: germline.

Department of Pathology and Laboratory Medicine, Sinai Health System
Classification: Uncertain significance for Myeloproliferative disorder, chronic, with eosinophilia; Idiopathic basal ganglia calcification 1; Myofibromatosis, infantile, 1; Acroosteolysis-keloid-like lesions-premature aging syndrome; Basal ganglia calcification, idiopathic, 4; Skeletal overgrowth-craniofacial dysmorphism-hyperelastic skin-white matter lesions syndrome. Last evaluated: 2022-06-16. Review status: criteria provided, single submitter. Criteria: ACMG Guidelines, 2015. Collection method: research. Allele origin: germline.

Eurofins Ntd Llc (ga)
Classification: Uncertain significance. Last evaluated: 2015-05-22. Review status: criteria provided, single submitter. Criteria: EGL Classification Definitions 2015. Collection method: clinical testing. Allele origin: germline. Observed: 2 variant alleles, 2 heterozygotes.